The following is an entry in ClinVar:

ClinVar aggregate classification (germline): Conflicting classifications of pathogenicity. Review status: criteria provided, conflicting classifications (1 of 4 stars). 2 submissions from 2 submitters: Uncertain significance (1); Likely benign (1). Last evaluated 2022-08-18.

Conditions:
Progressive sclerosing poliodystrophy (MTDPS4A). Also called: ALPERS PROGRESSIVE INFANTILE POLIODYSTROPHY; Mitochondrial DNA depletion syndrome 4A (Alpers type); NEURONAL DEGENERATION OF CHILDHOOD WITH LIVER DISEASE, PROGRESSIVE; Mitochondrial DNA Depletion Syndrome 4A; Alpers-Huttenlocher Syndrome (AHS); Alpers Syndrome. Identifiers: Orphanet 726, MedGen C0205710, MONDO:0008758, OMIM 203700.

Allele frequency attached by ClinVar (database versions not stated): ExAC 0.00001; ESP Exome Variant Server 0.00008.
gnomAD v4.1: 3 of 1,613,522 alleles (0.00019%); highest among the groups gnomAD compares: Non-Finnish European, 0.00025%; no homozygotes.

Submissions (2):

Blueprint Genetics
Classification: Likely benign. Last evaluated: 2022-08-18. Review status: criteria provided, single submitter. Criteria: ACMG Guidelines, 2015. Collection method: clinical testing. Allele origin: germline.

Labcorp Genetics (formerly Invitae), Labcorp
Classification: Uncertain significance for Progressive sclerosing poliodystrophy. Last evaluated: 2021-12-27. Review status: criteria provided, single submitter. Criteria: Invitae Variant Classification Sherloc (09022015). Collection method: clinical testing. Allele origin: germline.
Comment: This sequence change replaces threonine, which is neutral and polar, with serine, which is neutral and polar, at codon 728 of the POLG protein (p.Thr728Ser). This variant is present in population databases (rs372087220, gnomAD 0.002%). In summary, the available evidence is currently insufficient to determine the role of this variant in disease. Therefore, it has been classified as a Variant of Uncertain Significance. Algorithms developed to predict the effect of missense changes on protein structure and function output the following: SIFT: "Tolerated"; PolyPhen-2: "Benign"; Align-GVGD: "Class C0". The serine amino acid residue is found in multiple mammalian species, which suggests that this missense change does not adversely affect protein function. This variant has not been reported in the literature in individuals affected with POLG-related conditions.

NM_002693.3(POLG):c.2183C>G (p.Thr728Ser)

Gene: POLG (DNA polymerase gamma, catalytic subunit; minus strand). Cytogenetic location: 15q26.1.
Variant type: single nucleotide variant.
Coding change: c.2183C>G on transcript NM_002693.3 (MANE Select); coding-DNA position 2183, C replaced by G.
Protein change: p.Thr728Ser; replaces threonine 728 with serine.
Molecular consequence: missense variant.
Genome position (GRCh38, 1-based): chr15:89,323,486, G>C on the plus strand (C>G on the coding strand, the complement: POLG is on the minus strand). VCF-style: chr15-89323486-G-C. GRCh37 (hg19) VCF-style: chr15-89866717-G-C.
Other names: c.2183C>G, p.Thr728Ser (NM_001126131.2); short protein forms T728S.
Identifiers: ClinVar variation 1932422 (VCV001932422.4), dbSNP rs372087220, ClinGen allele CA7724553.